The following is an entry in ClinVar:

NM_000382.3(ALDH3A2):c.1069A>T (p.Lys357Ter)

Gene: ALDH3A2 (aldehyde dehydrogenase 3 family member A2; plus strand). Cytogenetic location: 17p11.2.
Variant type: single nucleotide variant.
Coding change: c.1069A>T on transcript NM_000382.3 (MANE Select); coding-DNA position 1069, A replaced by T.
Protein change: p.Lys357Ter; replaces lysine 357 with a stop codon.
Molecular consequence: nonsense.
Genome position (GRCh38, 1-based): chr17:19,663,461, A>T. VCF-style: chr17-19663461-A-T. GRCh37 (hg19) VCF-style: chr17-19566774-A-T.
Other names: c.1069A>T, p.Lys357Ter (NM_001031806.2, NM_001369136.1, NM_001369137.2 and 3 more transcripts); c.490A>T, p.Lys164Ter (NM_001369148.2); short protein forms K357*, K164*.
Identifiers: ClinVar variation 432183 (VCV000432183.2), dbSNP rs1555534472, ClinGen allele CA398710212.
Genomic context (GRCh38, chr17:19,663,461, plus strand): 5'-CTTCCAATAGTGCCTGTGAAAAATGTAGATGAGGCCATAAATTTCATAAATGAACGTGAA[A>T]AGCCTCTGGCTCTTTATGTATTTTCGCATAACCATAAGGTAAGCTTTAGAGAGAACAGCT-3'

ClinVar aggregate classification (germline): Likely pathogenic (1 of 4 stars; one submission).

Submission:

GeneDx
Classification: Likely pathogenic. Last evaluated: 2016-05-31. Review status: criteria provided, single submitter. Criteria: GeneDx Variant Classification (06012015). Collection method: clinical testing. Allele origin: germline. Affected: yes.
Comment: To our knowledge, the K357X nonsense variant in the ALDH3A2 gene has not been reported previously as a pathogenic variant nor as a benign variant. It was also not observed in approximately 6,500 individuals of European and African American ancestry in the NHLBI Exome Sequencing Project, indicating it is not a common benign variant in these populations. The K357X nonsense variant is predicted to cause loss of normal protein function either through protein truncation or nonsense-mediated mRNA decay, and several other loss-of-function variants have been reported downstream. Therefore, we interpret K357X as a likely pathogenic variant.